The following is an entry in ClinVar:

ClinVar aggregate classification (germline): Likely pathogenic (1 of 4 stars; one submission).

Conditions:
Wolfram syndrome 1 (WFS1). Identifiers: Orphanet 3463, MedGen C4551693, MONDO:0009101, OMIM 222300.

gnomAD v4.1: 1 of 1,612,472 alleles (0.000062%); highest among the groups gnomAD compares: Non-Finnish European, 0.000085%; no homozygotes.

Submission:

Payam Genetics Center, General Welfare Department of North Khorasan Province
Classification: Likely pathogenic for Wolfram syndrome 1. Last evaluated: 2023-03-01. Review status: criteria provided, single submitter. Criteria: ACMG Guidelines, 2015. Collection method: clinical testing. Allele origin: germline. Affected: no. Observed: 1 variant allele.
Comment: The WFS1 c.1672C>T (p.R558C) results is a missense mutation and results at the protien level is a disfunctional protien, predicted lead to deasise.This variant is not present in Iranian population databases. This variant has not been reported in the literature in individuals affected with WFS1-related conditions. This variant classified as Likely pathogenic according to ACMG guideline 2015.

(p.R558C)

NM_006005.3(WFS1):c.1627C>T (p.Leu543Phe)

Gene: WFS1 (wolframin ER transmembrane glycoprotein; plus strand). Cytogenetic location: 4p16.1.
Variant type: single nucleotide variant.
Coding change: c.1627C>T on transcript NM_006005.3 (MANE Select); coding-DNA position 1627, C replaced by T.
Protein change: p.Leu543Phe; replaces leucine 543 with phenylalanine.
Molecular consequence: missense variant.
Genome position (GRCh38, 1-based): chr4:6,301,422, C>T. VCF-style: chr4-6301422-C-T. GRCh37 (hg19) VCF-style: chr4-6303149-C-T.
Other names: c.1627C>T, p.Leu543Phe (NM_001145853.1); short protein forms L543F.
Identifiers: ClinVar variation 2499486 (VCV002499486.2), dbSNP rs1310304264, ClinGen allele CA356176343.